The following is an entry in ClinVar:

ClinVar aggregate classification (germline): Pathogenic (0 of 4 stars; one submission).

Submission:

GenMed Metabolism Lab
Classification: Pathogenic. Review status: no assertion criteria provided. Collection method: not provided. Allele origin: unknown.
Comment: p.Asp175Gly, Late
ClinVar note: Converted during submission from pathogenic to Pathogenic.

NM_000531.6(OTC):c.524A>G (p.Asp175Gly)

Gene: OTC (ornithine transcarbamylase; plus strand). Cytogenetic location: Xp11.4.
Variant type: single nucleotide variant.
Coding change: c.524A>G on transcript NM_000531.6 (MANE Select); coding-DNA position 524, A replaced by G.
Protein change: p.Asp175Gly; replaces aspartic acid 175 with glycine.
Molecular consequence: missense variant.
Genome position (GRCh38, 1-based): chrX:38,401,412, A>G. VCF-style: chrX-38401412-A-G. GRCh37 (hg19) VCF-style: chrX-38260665-A-G.
Other names: short protein forms D175G.
Identifiers: ClinVar variation 97232 (VCV000097232.2), dbSNP rs68033093, ClinGen allele CA224660.